The following is an entry in ClinVar:

ClinVar aggregate classification (germline): Uncertain significance. Review status: criteria provided, multiple submitters, no conflicts (2 of 4 stars). 2 submissions from 2 submitters: Uncertain significance (2). Last evaluated 2022-08-24.

Conditions:
Cardiovascular phenotype. Identifiers: MedGen CN230736.
Alstrom syndrome (ALMS). Identifiers: Orphanet 64, MedGen C0268425, MONDO:0008763, OMIM 203800.

Allele frequency attached by ClinVar (database versions not stated): TOPMed below 0.00001; ExAC 0.00001; gnomAD 0.00001; gnomAD exomes 0.00001.
gnomAD v4.1: 14 of 1,613,804 alleles (0.00087%); highest among the groups gnomAD compares: Non-Finnish European, 0.0012%; no homozygotes.

Submissions (2):

Ambry Genetics
Classification: Uncertain significance for Cardiovascular phenotype. Last evaluated: 2022-08-24. Review status: criteria provided, single submitter. Criteria: Ambry Variant Classification Scheme 2023. Collection method: clinical testing. Allele origin: germline.
Comment: The p.A1726S variant (also known as c.5176G>T), located in coding exon 8 of the ALMS1 gene, results from a G to T substitution at nucleotide position 5176. The alanine at codon 1726 is replaced by serine, an amino acid with similar properties. This amino acid position is poorly conserved in available vertebrate species. In addition, this alteration is predicted to be tolerated by in silico analysis. Since supporting evidence is limited at this time, the clinical significance of this alteration remains unclear.

Labcorp Genetics (formerly Invitae), Labcorp
Classification: Uncertain significance for Alstrom syndrome. Last evaluated: 2022-01-05. Review status: criteria provided, single submitter. Criteria: Invitae Variant Classification Sherloc (09022015). Collection method: clinical testing. Allele origin: germline.
Comment: This sequence change replaces alanine, which is neutral and non-polar, with serine, which is neutral and polar, at codon 1726 of the ALMS1 protein (p.Ala1726Ser). This variant is present in population databases (rs763052163, gnomAD 0.002%). This variant has not been reported in the literature in individuals affected with ALMS1-related conditions. Experimental studies and prediction algorithms are not available or were not evaluated, and the functional significance of this variant is currently unknown. In summary, the available evidence is currently insufficient to determine the role of this variant in disease. Therefore, it has been classified as a Variant of Uncertain Significance.

NM_001378454.1(ALMS1):c.5173G>T (p.Ala1725Ser)

Gene: ALMS1 (ALMS1 centrosome and basal body associated protein; plus strand). Cytogenetic location: 2p13.1.
Variant type: single nucleotide variant.
Coding change: c.5173G>T on transcript NM_001378454.1 (MANE Select); coding-DNA position 5173, G replaced by T.
Protein change: p.Ala1725Ser; replaces alanine 1725 with serine.
Molecular consequence: missense variant.
Genome position (GRCh38, 1-based): chr2:73,451,700, G>T. VCF-style: chr2-73451700-G-T. GRCh37 (hg19) VCF-style: chr2-73678827-G-T.
Other names: c.5176G>T, p.Ala1726Ser (NM_015120.4); short protein forms A1725S, A1726S.
Identifiers: ClinVar variation 1351464 (VCV001351464.5), dbSNP rs763052163, ClinGen allele CA1713833.